The following is an entry in ClinVar:

ClinVar aggregate classification (germline): Uncertain significance (1 of 4 stars; one submission).

Submission:

Labcorp Genetics (formerly Invitae), Labcorp
Classification: Uncertain significance. Last evaluated: 2024-08-02. Review status: criteria provided, single submitter. Criteria: Invitae Variant Classification Sherloc (09022015). Collection method: clinical testing. Allele origin: germline.
Comment: This sequence change replaces histidine, which is basic and polar, with arginine, which is basic and polar, at codon 1426 of the TRRAP protein (p.His1426Arg). This variant is not present in population databases (gnomAD no frequency). This variant has not been reported in the literature in individuals affected with TRRAP-related conditions. Advanced modeling of protein sequence and biophysical properties (such as structural, functional, and spatial information, amino acid conservation, physicochemical variation, residue mobility, and thermodynamic stability) performed at Invitae indicates that this missense variant is not expected to disrupt TRRAP protein function with a negative predictive value of 80%. In summary, the available evidence is currently insufficient to determine the role of this variant in disease. Therefore, it has been classified as a Variant of Uncertain Significance.

NM_001375524.1(TRRAP):c.4277A>G (p.His1426Arg)

Gene: TRRAP (transformation/transcription domain associated protein; plus strand). Cytogenetic location: 7q22.1.
Variant type: single nucleotide variant.
Coding change: c.4277A>G on transcript NM_001375524.1 (MANE Select); coding-DNA position 4277, A replaced by G.
Protein change: p.His1426Arg; replaces histidine 1426 with arginine.
Molecular consequence: missense variant.
Genome position (GRCh38, 1-based): chr7:98,937,693, A>G. VCF-style: chr7-98937693-A-G. GRCh37 (hg19) VCF-style: chr7-98535316-A-G.
Other names: c.4277A>G, p.His1426Arg (NM_001244580.2, NM_003496.4); short protein forms H1426R.
Identifiers: ClinVar variation 3661287 (VCV003661287.2).